The following is an entry in ClinVar:

NM_003661.4(APOL1):c.851G>A (p.Arg284His)

Gene: APOL1 (apolipoprotein L1; plus strand). Cytogenetic location: 22q12.3.
Variant type: single nucleotide variant.
Coding change: c.851G>A on transcript NM_003661.4 (MANE Select); coding-DNA position 851, G replaced by A.
Protein change: p.Arg284His; replaces arginine 284 with histidine.
Molecular consequence: missense variant.
Genome position (GRCh38, 1-based): chr22:36,265,687, G>A. VCF-style: chr22-36265687-G-A. GRCh37 (hg19) VCF-style: chr22-36661733-G-A.
Other names: c.851G>A, p.Arg284His (NM_001136540.2); c.797G>A, p.Arg266His (NM_001136541.2, NM_001362927.2); c.899G>A, p.Arg300His (NM_145343.3); c.851G>A (NM_003661.3); short protein forms R266H, R284H, R300H.
Identifiers: ClinVar variation 1284893 (VCV001284893.34), dbSNP rs150685787, ClinGen allele CA10208767.

ClinVar aggregate classification (germline): Benign/Likely benign. Review status: criteria provided, multiple submitters, no conflicts (2 of 4 stars). 6 submissions from 6 submitters: Benign (1); Likely benign (2). 3 of the submissions do not count toward it. Last evaluated 2026-01-16.

Conditions:
APOL1-related disorder. Also called: APOL1-related condition.

Allele frequency attached by ClinVar (database versions not stated): 1000 Genomes Project 0.00100; TOPMed 0.00135; ESP Exome Variant Server 0.00177; gnomAD exomes 0.00305 and 0.00360; ExAC 0.00320; gnomAD 0.00325 and 0.00340; 1000 Genomes Project 30x 0.00094.
gnomAD v4.1: 4,850 of 1,607,790 alleles (0.3%); highest among the groups gnomAD compares: Non-Finnish European, 0.28%; 19 homozygotes.

Submissions (6):

Labcorp Genetics (formerly Invitae), Labcorp
Classification: Benign. Last evaluated: 2026-01-16. Review status: criteria provided, single submitter. Criteria: Invitae Variant Classification Sherloc (09022015). Collection method: clinical testing. Allele origin: germline.

CeGaT Center for Human Genetics Tuebingen
Classification: Likely benign. Last evaluated: 2025-06-01. Review status: criteria provided, single submitter. Criteria: CeGaT Center For Human Genetics Tuebingen Variant Classification Criteria Version 2. Collection method: clinical testing. Allele origin: germline. Affected: yes. Observed: 1 variant allele.
Comment: APOL1: BP4, BS2

Blueprint Genetics
Classification: Likely benign. Last evaluated: 2024-11-26. Review status: criteria provided, single submitter. Criteria: ACMG Guidelines, 2015. Collection method: clinical testing. Allele origin: germline.

PreventionGenetics, part of Exact Sciences
Classification: Benign for APOL1-related condition. Last evaluated: 2024-09-17. Review status: no assertion criteria provided. Collection method: clinical testing. Allele origin: germline. Not counted in ClinVar's aggregate classification.
Comment: This variant is classified as benign based on ACMG/AMP sequence variant interpretation guidelines (Richards et al. 2015 PMID: 25741868, with internal and published modifications).

Clinical Genetics DNA and cytogenetics Diagnostics Lab, Erasmus MC, Erasmus Medical Center
Classification: Likely benign. Review status: no assertion criteria provided. Collection method: clinical testing. Allele origin: germline. Affected: yes. Study: VKGL Data-share Consensus. Not counted in ClinVar's aggregate classification.

Genome Diagnostics Laboratory, University Medical Center Utrecht
Classification: Likely benign. Review status: no assertion criteria provided. Collection method: clinical testing. Allele origin: germline. Affected: yes. Study: VKGL Data-share Consensus. Not counted in ClinVar's aggregate classification.